The following is an entry in ClinVar:

ClinVar aggregate classification (germline): Uncertain significance. Review status: criteria provided, multiple submitters, no conflicts (2 of 4 stars). 2 submissions from 2 submitters: Uncertain significance (2). Last evaluated 2025-09-08.

Conditions:
Ataxia-telangiectasia syndrome (AT). Also called: ATAXIA-TELANGIECTASIA, COMPLEMENTATION GROUP A; ATAXIA-TELANGIECTASIA, FRESNO VARIANT; Ataxia-telangiectasia; Ataxia telangiectasia (A-T); Ataxia-telangiectasia, complementation group D; AT, COMPLEMENTATION GROUP C. Identifiers: Orphanet 100, MedGen C0004135, MONDO:0008840, OMIM 208900.
Hereditary cancer-predisposing syndrome. Also called: Neoplastic Syndromes, Hereditary; Tumor predisposition; Hereditary Cancer Syndrome; Hereditary neoplastic syndrome. Identifiers: Orphanet 140162, MedGen C0027672, MeSH D009386, MONDO:0015356.

Submissions (2):

Ambry Genetics
Classification: Uncertain significance for Hereditary cancer-predisposing syndrome. Last evaluated: 2025-09-08. Review status: criteria provided, single submitter. Criteria: Ambry Variant Classification Scheme 2023. Collection method: clinical testing. Allele origin: germline.
Comment: The p.L115I variant (also known as c.343C>A), located in coding exon 4 of the ATM gene, results from a C to A substitution at nucleotide position 343. The leucine at codon 115 is replaced by isoleucine, an amino acid with highly similar properties. This amino acid position is highly conserved in available vertebrate species. In addition, the in silico prediction for this alteration is inconclusive. Based on the available evidence, the clinical significance of this variant remains unclear.

Labcorp Genetics (formerly Invitae), Labcorp
Classification: Uncertain significance for Ataxia-telangiectasia syndrome. Last evaluated: 2025-07-04. Review status: criteria provided, single submitter. Criteria: Invitae Variant Classification Sherloc (09022015). Collection method: clinical testing. Allele origin: germline.
Comment: This sequence change replaces leucine, which is neutral and non-polar, with isoleucine, which is neutral and non-polar, at codon 115 of the ATM protein (p.Leu115Ile). This variant is not present in population databases (gnomAD no frequency). This variant has not been reported in the literature in individuals affected with ATM-related conditions. Invitae Evidence Modeling of protein sequence and biophysical properties (such as structural, functional, and spatial information, amino acid conservation, physicochemical variation, residue mobility, and thermodynamic stability) indicates that this missense variant is not expected to disrupt ATM protein function with a negative predictive value of 95%. In summary, the available evidence is currently insufficient to determine the role of this variant in disease. Therefore, it has been classified as a Variant of Uncertain Significance.

NM_000051.4(ATM):c.343C>A (p.Leu115Ile)

Gene: ATM (ATM serine/threonine kinase; plus strand). Cytogenetic location: 11q22.3.
Variant type: single nucleotide variant.
Coding change: c.343C>A on transcript NM_000051.4 (MANE Select); coding-DNA position 343, C replaced by A.
Protein change: p.Leu115Ile; replaces leucine 115 with isoleucine.
Molecular consequence: missense variant.
Genome position (GRCh38, 1-based): chr11:108,235,681, C>A. VCF-style: chr11-108235681-C-A. GRCh37 (hg19) VCF-style: chr11-108106408-C-A.
Other names: c.343C>A, p.Leu115Ile (NM_001351834.2); short protein forms L115I.
Identifiers: ClinVar variation 4170224 (VCV004170224.2).